The following is an entry in ClinVar:

NM_020738.4(KIDINS220):c.826G>A (p.Ala276Thr)

Gene: KIDINS220 (kinase D interacting substrate 220; minus strand). Cytogenetic location: 2p25.1.
Variant type: single nucleotide variant.
Coding change: c.826G>A on transcript NM_020738.4 (MANE Select); coding-DNA position 826, G replaced by A.
Protein change: p.Ala276Thr; replaces alanine 276 with threonine.
Molecular consequence: missense variant. On other transcripts: non-coding transcript variant (2).
Genome position (GRCh38, 1-based): chr2:8,800,474, C>T on the plus strand (G>A on the coding strand, the complement: KIDINS220 is on the minus strand). VCF-style: chr2-8800474-C-T. GRCh37 (hg19) VCF-style: chr2-8940604-C-T.
Other names: c.826G>A (NM_020738.2); c.829G>A, p.Ala277Thr (NM_001348729.2, NM_001348731.2, NM_001348734.2 and 3 more transcripts); c.826G>A, p.Ala276Thr (NM_001348732.2, NM_001348735.2, NM_001348738.2 and 3 more transcripts); c.700G>A, p.Ala234Thr (NM_001348736.2); short protein forms A234T, A276T, A277T.
Identifiers: ClinVar variation 2899566 (VCV002899566.4), dbSNP rs988547001, ClinGen allele CA42346875.
Genomic context (GRCh38, chr2:8,800,474, plus strand): 5'-CTATATCAGCATATTTTTGGAGAAGCGCTCGAACAATTTCAACATGACCACCTCTGACAG[C>T]GCCAATCAACACAGTATCCCCACTCTAAGAAGACAGAAAATAAAAACAAAAACAAGGTAA-3'
Protein context (NP_065789.1, residues 266-286): DRSGDTVLIG[Ala276Thr]VRGGHVEIVR

ClinVar aggregate classification (germline): Uncertain significance. Review status: criteria provided, multiple submitters, no conflicts (2 of 4 stars). 2 submissions from 2 submitters: Uncertain significance (2). Last evaluated 2025-05-18.

Conditions:
Inborn genetic diseases. Identifiers: MedGen C0950123, MeSH D030342.

Allele frequency attached by ClinVar (database versions not stated): gnomAD 0.00001; TOPMed 0.00001.
gnomAD v4.1: 9 of 1,612,400 alleles (0.00056%); highest among the groups gnomAD compares: African/African-American, 0.0013%; no homozygotes.

Submissions (2):

Ambry Genetics
Classification: Uncertain significance for Inborn genetic diseases. Last evaluated: 2025-05-18. Review status: criteria provided, single submitter. Criteria: Ambry Variant Classification Scheme 2023. Collection method: clinical testing. Allele origin: germline.

Labcorp Genetics (formerly Invitae), Labcorp
Classification: Uncertain significance. Last evaluated: 2023-01-12. Review status: criteria provided, single submitter. Criteria: Invitae Variant Classification Sherloc (09022015). Collection method: clinical testing. Allele origin: germline.
Comment: This variant is present in population databases (no rsID available, gnomAD 0.0009%). This sequence change replaces alanine, which is neutral and non-polar, with threonine, which is neutral and polar, at codon 276 of the KIDINS220 protein (p.Ala276Thr). This variant has not been reported in the literature in individuals affected with KIDINS220-related conditions. Algorithms developed to predict the effect of missense changes on protein structure and function (SIFT, PolyPhen-2, Align-GVGD) all suggest that this variant is likely to be disruptive. In summary, the available evidence is currently insufficient to determine the role of this variant in disease. Therefore, it has been classified as a Variant of Uncertain Significance.